The following is an entry in ClinVar:

NM_004646.4(NPHS1):c.3359del (p.Thr1120fs)

Gene: NPHS1 (NPHS1 adhesion molecule, nephrin; minus strand). Cytogenetic location: 19q13.12.
Variant type: Deletion.
Coding change: c.3359del on transcript NM_004646.4 (MANE Select); coding-DNA position 3359, one base deleted (C; older notation c.3359delC).
Protein change: p.Thr1120fs; shifts the reading frame from threonine 1120.
Molecular consequence: frameshift variant.
Genome position (GRCh38, 1-based): chr19:35,831,324, G deleted on the plus strand (C on the coding strand, the reverse complement: NPHS1 is on the minus strand). VCF-style (leftmost placement, unchanged base first): chr19-35831323-TG-T. GRCh37 (hg19) VCF-style: chr19-36322225-TG-T.
Other names: short protein forms T1120fs.
Identifiers: ClinVar variation 5011251 (VCV005011251.1).

ClinVar aggregate classification (germline): Pathogenic (1 of 4 stars; one submission).

Conditions:
Finnish congenital nephrotic syndrome (NPHS1). Also called: NEPHROTIC SYNDROME, TYPE 1. Identifiers: Orphanet 839, MedGen C0403399, MONDO:0009732, OMIM 256300.

Submission:

Myriad Genetics, Inc.
Classification: Pathogenic for Finnish congenital nephrotic syndrome. Last evaluated: 2023-08-06. Review status: criteria provided, single submitter. Criteria: Myriad Autosomal Dominant, Autosomal Recessive and X-Linked Classification Criteria (2023). Collection method: clinical testing. Allele origin: unknown.
Comment: NM_004646.3(NPHS1):c.3359delC(T1120Kfs*23) is expected to be pathogenic in the context of nephrotic syndrome, NPHS1-related. This variant is predicted to lead to an abnormal or absent protein product due to the creation of a premature termination codon in NPHS1, a gene where loss-of-function variants are known to be pathogenic. Please note: this variant was assessed in the context of healthy population screening.